The following is an entry in ClinVar:

NM_003742.4(ABCB11):c.611+1G>A

Gene: ABCB11 (ATP binding cassette subfamily B member 11; minus strand). Cytogenetic location: 2q31.1.
Variant type: single nucleotide variant.
Coding change: c.611+1G>A on transcript NM_003742.4 (MANE Select); the canonical splice donor site of the intron after coding-DNA position 611, G replaced by A.
Molecular consequence: splice donor variant.
Genome position (GRCh38, 1-based): chr2:168,995,348, C>T on the plus strand (G>A on the coding strand, the complement: ABCB11 is on the minus strand). VCF-style: chr2-168995348-C-T. GRCh37 (hg19) VCF-style: chr2-169851858-C-T.
Other names: c.611+1G>A (NM_003742.2).
Identifiers: ClinVar variation 1526234 (VCV001526234.11), dbSNP rs769134865, ClinGen allele CA1951841.

ClinVar aggregate classification (germline): Pathogenic. Review status: criteria provided, multiple submitters, no conflicts (2 of 4 stars). 7 submissions from 7 submitters: Pathogenic (7). Last evaluated 2026-04-14.

Conditions:
Benign recurrent intrahepatic cholestasis type 2 (BRIC2). Also called: Recurrent familial intrahepatic cholestasis 2. Identifiers: Orphanet 65682, Orphanet 99961, MedGen C2608083, MONDO:0011559, OMIM 605479.
ABCB11-related disorder. Also called: ABCB11-related condition.
Familial intrahepatic cholestasis. Identifiers: Orphanet 284385, MedGen CN296401, MONDO:0017290.
Progressive familial intrahepatic cholestasis type 2. Identifiers: Orphanet 79304, MedGen C3489789, MONDO:0011156, OMIM 601847.

Allele frequency attached by ClinVar (database versions not stated): TOPMed below 0.00001; gnomAD 0.00001; gnomAD exomes 0.00001 and 0.00002; ExAC 0.00002.
gnomAD v4.1: 11 of 1,611,166 alleles (0.00068%); highest among the groups gnomAD compares: Non-Finnish European, 0.00093%; no homozygotes.

Submissions (7):

Genomenon, Inc
Classification: Pathogenic for Familial intrahepatic cholestasis. Last evaluated: 2026-04-14. Review status: criteria provided, single submitter. Criteria: Genomenon Sequence Variant Interpretation Standards - Updated. Collection method: curation. Allele origin: germline. Affected: yes.
Comment: ABCB11 c.611+1G>A is a canonical splice variant affecting the donor splice site of intron 7. It is predicted to affect mRNA splicing, leading to a deleterious effect on the ABCB11 protein. This variant has been observed in at least one proband with an ABCB11-related disorder (PMID:37697751;37471416;25383786;18395098;16871584;25771912). It is absent or not present at a significant frequency in gnomAD. In conclusion, we classify ABCB11 c.611+1G>A as a pathogenic variant.

GeneDx
Classification: Pathogenic. Last evaluated: 2025-06-27. Review status: criteria provided, single submitter. Criteria: GeneDx Variant Classification Process June 2021. Collection method: clinical testing. Allele origin: germline. Affected: yes.
Comment: Canonical splice site variant predicted to result in a null allele in a gene for which loss of function is a known mechanism of disease; Not observed at significant frequency in large population cohorts (gnomAD); This variant is associated with the following publications: (PMID: 25525159, 25383786, 18937870, 31015375, 18395098, 35884482, 22795478, 25771912, 34016879, 16871584)

PreventionGenetics, part of Exact Sciences
Classification: Pathogenic for ABCB11-related condition. Last evaluated: 2025-01-29. Review status: criteria provided, single submitter. Criteria: ACMG Guidelines, 2015. Collection method: clinical testing. Allele origin: germline.
Comment: The ABCB11 c.611+1G>A variant is predicted to disrupt the GT donor site and interfere with normal splicing. This variant was reported to be causative for autosomal recessive intrahepatic cholestasis (reported as IVS7+1G>A, Knisely et al. 2006. PubMed ID: 16871584; Table S3, Hertel et al. 2021. PubMed ID: 34016879). This variant is reported in 0.0027% of alleles in individuals of European (Non-Finnish) descent in gnomAD. Variants that disrupt the consensus splice donor site in ABCB11 are expected to be pathogenic. This variant is interpreted as pathogenic.

Labcorp Genetics (formerly Invitae), Labcorp
Classification: Pathogenic. Last evaluated: 2023-12-26. Review status: criteria provided, single submitter. Criteria: Invitae Variant Classification Sherloc (09022015). Collection method: clinical testing. Allele origin: germline.
Comment: This sequence change affects a donor splice site in intron 7 of the ABCB11 gene. It is expected to disrupt RNA splicing. Variants that disrupt the donor or acceptor splice site typically lead to a loss of protein function (PMID: 16199547), and loss-of-function variants in ABCB11 are known to be pathogenic (PMID: 18395098, 20232290). This variant is present in population databases (rs769134865, gnomAD 0.003%). Disruption of this splice site has been observed in individual(s) with clinical features of progressive familial intrahepatic cholestasis (PMID: 16871584, 25771912). In at least one individual the data is consistent with being in trans (on the opposite chromosome) from a pathogenic variant. This variant is also known as IVS7+1G>A. ClinVar contains an entry for this variant (Variation ID: 1526234). Algorithms developed to predict the effect of sequence changes on RNA splicing suggest that this variant may disrupt the consensus splice site. For these reasons, this variant has been classified as Pathogenic.

Baylor Genetics
Classification: Pathogenic for Benign recurrent intrahepatic cholestasis type 2. Last evaluated: 2023-04-18. Review status: criteria provided, single submitter. Criteria: ACMG Guidelines, 2015. Collection method: clinical testing. Allele origin: unknown.

Blueprint Genetics
Classification: Pathogenic for ABCB11-related disorders. Last evaluated: 2023-03-21. Review status: criteria provided, single submitter. Criteria: ACMG Guidelines, 2015. Collection method: clinical testing. Allele origin: germline. Affected: yes. Observed: 3 variant alleles.

3billion
Classification: Pathogenic for Progressive familial intrahepatic cholestasis type 2. Last evaluated: 2022-03-22. Review status: criteria provided, single submitter. Criteria: ACMG Guidelines, 2015. Collection method: clinical testing. Allele origin: germline. Affected: yes. Observed: 1 homozygote.
Comment: Canonical splice site: predicted to alter splicing and result in a loss or disruption of normal protein function through nonsense-mediated decay (NMD) or protein truncation. Multiple pathogenic variants are reported downstream of the variant. The variant is observed at an extremely low frequency in the gnomAD v2.1.1 dataset (total allele frequency:0.0000121). Therefore, this variant is classified as pathogenic according to the recommendation of ACMG/AMP guideline.

Literature cited by the submitters: PubMed 37697751 (cited by Genomenon, Inc); PubMed 37471416 (cited by Genomenon, Inc); PubMed 25383786 (cited by Genomenon, Inc); PubMed 18395098 (cited by Genomenon, Inc and Labcorp Genetics (formerly Invitae), Labcorp); PubMed 16871584 (cited by Genomenon, Inc and Labcorp Genetics (formerly Invitae), Labcorp); PubMed 25771912 (cited by Genomenon, Inc and Labcorp Genetics (formerly Invitae), Labcorp); PubMed 16199547 (cited by Labcorp Genetics (formerly Invitae), Labcorp); PubMed 20232290 (cited by Labcorp Genetics (formerly Invitae), Labcorp).